The following is an entry in ClinVar:

ClinVar aggregate classification (germline): Uncertain significance (1 of 4 stars; one submission).

Conditions:
Atrial fibrillation, familial, 18 (ATFB18). Identifiers: MedGen C4310636, MONDO:0015001, OMIM 617280.

Submission:

Labcorp Genetics (formerly Invitae), Labcorp
Classification: Uncertain significance for Atrial fibrillation, familial, 18. Last evaluated: 2023-01-15. Review status: criteria provided, single submitter. Criteria: Invitae Variant Classification Sherloc (09022015). Collection method: clinical testing. Allele origin: germline.
Comment: In summary, the available evidence is currently insufficient to determine the role of this variant in disease. Therefore, it has been classified as a Variant of Uncertain Significance. Algorithms developed to predict the effect of missense changes on protein structure and function are either unavailable or do not agree on the potential impact of this missense change (SIFT: "Tolerated"; PolyPhen-2: "Probably Damaging"; Align-GVGD: "Class C0"). This variant has not been reported in the literature in individuals affected with MYL4-related conditions. This variant is not present in population databases (gnomAD no frequency). This sequence change replaces threonine, which is neutral and polar, with proline, which is neutral and non-polar, at codon 66 of the MYL4 protein (p.Thr66Pro).

NM_002476.2(MYL4):c.196A>C (p.Thr66Pro)

Gene: MYL4 (myosin light chain 4; plus strand). Cytogenetic location: 17q21.32.
Variant type: single nucleotide variant.
Coding change: c.196A>C on transcript NM_002476.2 (MANE Select); coding-DNA position 196, A replaced by C.
Protein change: p.Thr66Pro; replaces threonine 66 with proline.
Molecular consequence: missense variant.
Genome position (GRCh38, 1-based): chr17:47,219,936, A>C. VCF-style: chr17-47219936-A-C. GRCh37 (hg19) VCF-style: chr17-45297302-A-C.
Other names: c.196A>C, p.Thr66Pro (NM_001002841.2); short protein forms T66P.
Identifiers: ClinVar variation 2828641 (VCV002828641.3), dbSNP rs2547598089, ClinGen allele CA400020849.